The following is an entry in ClinVar:

ClinVar aggregate classification (germline): Pathogenic. Review status: criteria provided, multiple submitters, no conflicts (2 of 4 stars). 5 submissions from 5 submitters: Pathogenic (5). Last evaluated 2026-05-26.

Conditions:
Bardet-Biedl syndrome 9 (BBS9). Identifiers: Orphanet 110, MedGen C1859567, MONDO:0014437, OMIM 615986.
BBS9-related disorder. Also called: BBS9-related condition.
Bardet-Biedl syndrome (BBS). Identifiers: Orphanet 110, MedGen C0752166, MONDO:0015229.

Submissions (5):

PreventionGenetics, part of Exact Sciences
Classification: Pathogenic for BBS9-related condition. Last evaluated: 2026-05-26. Review status: criteria provided, single submitter. Criteria: ACMG Guidelines, 2015. Collection method: clinical testing. Allele origin: germline.
Comment: The BBS9 c.2007_2008dupAG variant is predicted to result in a frameshift and premature protein termination (p.Ala670Glufs*13). This variant, also designated as c.2521_2522insAG (A672fsX219), has been reported in individuals with Bardet-Biedl syndrome (Janssen et al 2011. PubMed ID: 21052717; Meyer et al. 2022. PubMed ID: 35112343). This variant is reported in 0.0018% of alleles in individuals of European (Non-Finnish) descent in gnomAD. Frameshift variants in BBS9 are expected to be pathogenic. This variant is interpreted as pathogenic.

Fulgent Genetics
Classification: Pathogenic for Bardet-Biedl syndrome 9. Last evaluated: 2024-06-07. Review status: criteria provided, single submitter. Criteria: ACMG Guidelines, 2015. Collection method: clinical testing. Allele origin: germline.

Labcorp Genetics (formerly Invitae), Labcorp
Classification: Pathogenic for Bardet-Biedl syndrome. Last evaluated: 2024-02-05. Review status: criteria provided, single submitter. Criteria: Invitae Variant Classification Sherloc (09022015). Collection method: clinical testing. Allele origin: germline.
Comment: This sequence change creates a premature translational stop signal (p.Ala670Glufs*13) in the BBS9 gene. It is expected to result in an absent or disrupted protein product. Loss-of-function variants in BBS9 are known to be pathogenic (PMID: 16380913, 20177705). This variant is present in population databases (no rsID available, gnomAD 0.002%). This premature translational stop signal has been observed in individual(s) with Bardet-Biedl syndrome (PMID: 21052717). ClinVar contains an entry for this variant (Variation ID: 1074680). For these reasons, this variant has been classified as Pathogenic.

Baylor Genetics
Classification: Pathogenic for Bardet-Biedl syndrome 9. Last evaluated: 2024-01-27. Review status: criteria provided, single submitter. Criteria: ACMG Guidelines, 2015. Collection method: clinical testing. Allele origin: unknown.

Blueprint Genetics
Classification: Pathogenic for BBS9-related disorders. Last evaluated: 2021-08-20. Review status: criteria provided, single submitter. Criteria: ACMG Guidelines, 2015. Collection method: clinical testing. Allele origin: germline. Affected: yes. Observed: 3 variant alleles.

Literature cited by the submitters: PubMed 16380913 (cited by Labcorp Genetics (formerly Invitae), Labcorp); PubMed 20177705 (cited by Labcorp Genetics (formerly Invitae), Labcorp); PubMed 21052717 (cited by Labcorp Genetics (formerly Invitae), Labcorp).

NM_198428.3(BBS9):c.2007_2008dup (p.Ala670fs)

Gene: BBS9 (Bardet-Biedl syndrome 9; plus strand). Cytogenetic location: 7p14.3.
Variant type: Microsatellite.
Coding change: c.2007_2008dup on transcript NM_198428.3 (MANE Select); coding-DNA positions 2007 to 2008, 2 bases duplicated (AG; older notation c.2007_2008dupAG).
Protein change: p.Ala670fs; shifts the reading frame from alanine 670.
Molecular consequence: frameshift variant. On other transcripts: non-coding transcript variant (3).
Genome position (GRCh38, 1-based): chr7:33,388,036-33,388,037, AG duplicated; duplicating any 2 consecutive bases within chr7:33,388,031-33,388,037 gives the same sequence; the c. name uses the placement nearest the transcript's 3' end. VCF-style (leftmost placement, unchanged base first): chr7-33388030-T-TGA. GRCh37 (hg19) VCF-style: chr7-33427642-T-TGA.
Other names: c.2007_2008dupAG (NM_198428.2); c.1734_1735dup, p.Ala579fs (NM_001348038.3); c.1629_1630dup, p.Ala544fs (NM_001348039.3); c.1887_1888dup, p.Ala630fs (NM_001348040.3, NM_014451.4); c.2007_2008dup, p.Ala670fs (NM_001348041.4, NM_001348043.3, NM_001348036.1 and 1 more transcripts); c.1872_1873dup, p.Ala625fs (NM_001348042.3); c.1536_1537dup, p.Ala513fs (NM_001348044.3); c.1641_1642dup, p.Ala548fs (NM_001348045.3, NM_001348046.3, NM_001348037.3); and 2 more; short protein forms A513fs, A544fs, A548fs, A579fs, A625fs, A630fs, A635fs, A665fs.
Identifiers: ClinVar variation 1074680 (VCV001074680.14), dbSNP rs1266192229, ClinGen allele CA573738432.